The following is an entry in ClinVar:

ClinVar aggregate classification (germline): Pathogenic. Review status: criteria provided, single submitter (1 of 4 stars). 2 submissions from 2 submitters: Pathogenic (1). 1 of the submissions does not count toward it. Last evaluated 2024-07-03.

Conditions:
Neurodevelopmental disorder with hypotonia, seizures, and absent language (NDHSAL). Identifiers: MedGen C4310643, MONDO:0014995, OMIM 617268.

Submissions (2):

GeneDx
Classification: Pathogenic. Last evaluated: 2024-07-03. Review status: criteria provided, single submitter. Criteria: GeneDx Variant Classification Process June 2021. Collection method: clinical testing. Allele origin: germline. Affected: yes.
Comment: Not observed at significant frequency in large population cohorts (gnomAD); In silico analysis supports that this missense variant has a deleterious effect on protein structure/function; This variant is associated with the following publications: (PMID: 35487419, 35753050, 34047014)

Cytogénomique, Hospices Civils de Lyon
Classification: Likely pathogenic for Neurodevelopmental disorder with hypotonia, seizures, and absent language. Review status: no assertion criteria provided. Collection method: clinical testing. Allele origin: de novo. Inheritance: Autosomal dominant inheritance. Affected: yes. Not counted in ClinVar's aggregate classification.

NM_001348768.2(HECW2):c.4331G>C (p.Arg1444Thr)

Gene: HECW2 (HECT, C2 and WW domain containing E3 ubiquitin protein ligase 2; minus strand). Cytogenetic location: 2q32.3.
Variant type: single nucleotide variant.
Coding change: c.4331G>C on transcript NM_001348768.2 (MANE Select); coding-DNA position 4331, G replaced by C.
Protein change: p.Arg1444Thr; replaces arginine 1444 with threonine.
Molecular consequence: missense variant.
Genome position (GRCh38, 1-based): chr2:196,220,116, C>G on the plus strand (G>C on the coding strand, the complement: HECW2 is on the minus strand). VCF-style: chr2-196220116-C-G. GRCh37 (hg19) VCF-style: chr2-197084840-C-G.
Other names: c.3263G>C, p.Arg1088Thr (NM_001304840.3); c.4331G>C, p.Arg1444Thr (NM_020760.4); c.4331G>C (NM_020760.1); short protein forms R1088T, R1444T.
Identifiers: ClinVar variation 1012237 (VCV001012237.2), dbSNP rs1687613913, ClinGen allele CA349944658.